The following is an entry in ClinVar:

ClinVar aggregate classification (germline): Conflicting classifications of pathogenicity. Review status: criteria provided, conflicting classifications (1 of 4 stars). 4 submissions from 4 submitters: Uncertain significance (1); Benign (1); Likely benign (2). Last evaluated 2026-01-20.

Conditions:
Duchenne muscular dystrophy (DMD). Also called: Duchenne Muscular Dystrophy (DMD); MUSCULAR DYSTROPHY, PSEUDOHYPERTROPHIC PROGRESSIVE, DUCHENNE TYPE. Identifiers: Orphanet 98896, MedGen C0013264, MONDO:0010679, OMIM 310200.

Allele frequency attached by ClinVar (database versions not stated): gnomAD exomes 0.00006; ExAC 0.00013; TOPMed 0.00013; gnomAD 0.00015 and 0.00016; ESP Exome Variant Server 0.00038; 1000 Genomes Project 30x 0.00042; 1000 Genomes Project 0.00053.
gnomAD v4.1: 28 of 1,109,479 alleles (0.0025%); highest among the groups gnomAD compares: African/African-American, 0.045%; no homozygotes.

Submissions (4):

Labcorp Genetics (formerly Invitae), Labcorp
Classification: Benign for Duchenne muscular dystrophy. Last evaluated: 2026-01-20. Review status: criteria provided, single submitter. Criteria: Invitae Variant Classification Sherloc (09022015). Collection method: clinical testing. Allele origin: germline.

Blueprint Genetics
Classification: Likely benign. Last evaluated: 2024-08-30. Review status: criteria provided, single submitter. Criteria: ACMG Guidelines, 2015. Collection method: clinical testing. Allele origin: germline.

GeneDx
Classification: Likely benign. Last evaluated: 2016-01-05. Review status: criteria provided, single submitter. Criteria: GeneDx Variant Classification (06012015). Collection method: clinical testing. Allele origin: germline. Affected: yes.
Comment: This variant is considered likely benign or benign based on one or more of the following criteria: it is a conservative change, it occurs at a poorly conserved position in the protein, it is predicted to be benign by multiple in silico algorithms, and/or has population frequency not consistent with disease.

Laboratory for Molecular Medicine, Mass General Brigham Personalized Medicine
Classification: Uncertain significance. Last evaluated: 2015-08-13. Review status: criteria provided, single submitter. Criteria: LMM Criteria. Collection method: clinical testing. Allele origin: germline. Observed: 1 variant allele.
Comment: The c.32-14A>G variant in DMD has not been previously reported in individuals wi th cardiomyopathy, but has been identified in 4/4564 African chromosomes by the Exome Aggregation Consortium (ExAC; dbSNP rs3677 57761). This variant is located in the 3' splice region. Computational tools do not suggest an impact to splicing. However, this information is not predictive e nough to rule out pathogenicity. In summary, the clinical significance of the c. 32-14A>G variant is uncertain.

NM_004006.3(DMD):c.32-14A>G

Gene: DMD (dystrophin; minus strand). Cytogenetic location: Xp21.1.
Variant type: single nucleotide variant.
Coding change: c.32-14A>G on transcript NM_004006.3 (MANE Select); 14 bases into the intron before coding-DNA position 32, A replaced by G.
Molecular consequence: intron variant.
Genome position (GRCh38, 1-based): chrX:33,020,214, T>C on the plus strand (A>G on the coding strand, the complement: DMD is on the minus strand). VCF-style: chrX-33020214-T-C. GRCh37 (hg19) VCF-style: chrX-33038331-T-C.
Other names: c.8-14A>G (NM_000109.4); c.20-14A>G (NM_004009.3); c.-338-14A>G (NM_004010.3).
Identifiers: ClinVar variation 228585 (VCV000228585.14), dbSNP rs367757761, ClinGen allele CA10380278.
Genomic context (GRCh38, chrX:33,020,214, plus strand): 5'-ATTTACCCATTTTGTGAATGTTTTCTTTTGAACATCTTCTCTTTCATCTAAAATGCAAAA[T>C]AAAAAAATAAAAGTTAGGAAGCAACTTTAAATATAATTCATATTTTACAACCAAAGTAAC-3'